The following is an entry in ClinVar:

ClinVar aggregate classification (germline): Uncertain significance (1 of 4 stars; one submission).

Conditions:
Intellectual disability, autosomal recessive 53 (NEDHSCA). Also called: GLYCOSYLPHOSPHATIDYLINOSITOL BIOSYNTHESIS DEFECT 13; Mental retardation, autosomal recessive 53; NEURODEVELOPMENTAL DISORDER WITH OR WITHOUT HYPOTONIA, SEIZURES, AND CEREBELLAR ATROPHY. Identifiers: Orphanet 488635, MedGen C4310794, MONDO:0014832, OMIM 616917.

Submission:

Labcorp Genetics (formerly Invitae), Labcorp
Classification: Uncertain significance for Intellectual disability, autosomal recessive 53. Last evaluated: 2025-10-27. Review status: criteria provided, single submitter. Criteria: Invitae Variant Classification Sherloc (09022015). Collection method: clinical testing. Allele origin: germline.
Comment: This sequence change replaces lysine, which is basic and polar, with asparagine, which is neutral and polar, at codon 245 of the PIGG protein (p.Lys245Asn). This variant is not present in population databases (gnomAD no frequency). This variant has not been reported in the literature in individuals affected with PIGG-related conditions. ClinVar contains an entry for this variant (Variation ID: 1369483). Invitae Evidence Modeling of protein sequence and biophysical properties (such as structural, functional, and spatial information, amino acid conservation, physicochemical variation, residue mobility, and thermodynamic stability) has been performed for this missense variant. However, the output from this modeling did not meet the statistical confidence thresholds required to predict the impact of this variant on PIGG protein function. In summary, the available evidence is currently insufficient to determine the role of this variant in disease. Therefore, it has been classified as a Variant of Uncertain Significance.

NM_001127178.3(PIGG):c.735G>T (p.Lys245Asn)

Gene: PIGG (phosphatidylinositol glycan anchor biosynthesis class G (EMM blood group); plus strand). Cytogenetic location: 4p16.3.
Variant type: single nucleotide variant.
Coding change: c.735G>T on transcript NM_001127178.3 (MANE Select); coding-DNA position 735, G replaced by T.
Protein change: p.Lys245Asn; replaces lysine 245 with asparagine.
Molecular consequence: missense variant. On other transcripts: non-coding transcript variant (10), intron variant (1), 5 prime UTR variant (4).
Genome position (GRCh38, 1-based): chr4:507,569, G>T. VCF-style: chr4-507569-G-T. GRCh37 (hg19) VCF-style: chr4-501358-G-T.
Other names: c.361-1260G>T (NM_001289052.2); c.468G>T, p.Lys156Asn (NM_001289051.2, NM_001289053.2, NM_001289057.2 and 2 more transcripts); c.369G>T, p.Lys123Asn (NM_001289055.2); c.-153G>T (NM_001345988.2); c.735G>T, p.Lys245Asn (NM_001345989.2, NM_017733.5); c.-891G>T (NM_001345990.2); c.-753G>T (NM_001345991.2); c.-478G>T (NM_001345994.2); short protein forms K156N, K123N, K245N.
Identifiers: ClinVar variation 1369483 (VCV001369483.6), dbSNP rs1720175322, ClinGen allele CA355897909.